The following is an entry in ClinVar:

ClinVar aggregate classification (germline): Uncertain significance (1 of 4 stars; one submission).

Submission:

GeneDx
Classification: Uncertain significance. Last evaluated: 2019-07-22. Review status: criteria provided, single submitter. Criteria: GeneDx Variant Classification Process June 2021. Collection method: clinical testing. Allele origin: germline. Affected: yes.
Comment: Not observed in large population cohorts (Lek 2016); In silico analysis, which includes protein predictors and evolutionary conservation, supports that this variant does not alter protein structure/function; Has not been previously published as pathogenic or benign to our knowledge

NM_003002.4(SDHD):c.319C>G (p.Leu107Val)

Gene: SDHD (succinate dehydrogenase complex subunit D; plus strand). Cytogenetic location: 11q23.1.
Variant type: single nucleotide variant.
Coding change: c.319C>G on transcript NM_003002.4 (MANE Select); coding-DNA position 319, C replaced by G.
Protein change: p.Leu107Val; replaces leucine 107 with valine.
Molecular consequence: missense variant. On other transcripts: synonymous variant (1), 3 prime UTR variant (1), non-coding transcript variant (1).
Genome position (GRCh38, 1-based): chr11:112,094,809, C>G. VCF-style: chr11-112094809-C-G. GRCh37 (hg19) VCF-style: chr11-111965533-C-G.
Other names: c.174C>G, p.Ala58= (NM_001276503.2); c.202C>G, p.Leu68Val (NM_001276504.2); c.*17C>G (NM_001276506.2); short protein forms L107V, L68V.
Identifiers: ClinVar variation 1320993 (VCV001320993.2), dbSNP rs1209781530, ClinGen allele CA382618739.